The following is an entry in ClinVar:

ClinVar aggregate classification (germline): Conflicting classifications of pathogenicity. Review status: criteria provided, conflicting classifications (1 of 4 stars). 4 submissions from 4 submitters: Uncertain significance (2); Likely benign (1). 1 of the submissions does not count toward it. Last evaluated 2025-12-12.

Conditions:
Hereditary cancer-predisposing syndrome. Also called: Hereditary Cancer Syndrome; Hereditary neoplastic syndrome; Neoplastic Syndromes, Hereditary; Tumor predisposition. Identifiers: Orphanet 140162, MedGen C0027672, MeSH D009386, MONDO:0015356.
Hereditary breast ovarian cancer syndrome. Also called: BRCA1- and BRCA2-Associated Hereditary Breast and Ovarian Cancer; Hereditary breast and ovarian cancer syndrome; Hereditary breast and ovarian cancer syndrome (HBOC); Breast and ovarian cancer; Hereditary breast and/or ovarian cancer syndrome; Hereditary breast and ovarian cancer. Identifiers: Orphanet 145, MedGen C0677776, MeSH D061325, MONDO:0003582. Disease mechanism: loss of function.
Breast-ovarian cancer, familial, susceptibility to, 1 (BROVCA1). Also called: BRCA1 Hereditary Breast and Ovarian Cancer; OVARIAN CANCER, SUSCEPTIBILITY TO. Identifiers: Orphanet 145, MedGen C2676676, MONDO:0011450, OMIM 604370. Disease mechanism: loss of function.

Submissions (5):

Ambry Genetics
Classification: Uncertain significance for Hereditary cancer-predisposing syndrome. Last evaluated: 2025-12-12. Review status: criteria provided, single submitter. Criteria: Ambry Variant Classification Scheme 2023. Collection method: clinical testing. Allele origin: germline.
Comment: The p.P1771R variant (also known as c.5312C>G), located in coding exon 19 of the BRCA1 gene, results from a C to G substitution at nucleotide position 5312. The proline at codon 1771 is replaced by arginine, an amino acid with dissimilar properties. One functional study found that this nucleotide substitution is functional in a high throughput genome editing haploid cell survival assay (Findlay GM et al. Nature, 2018 Oct;562:217-222). This amino acid position is highly conserved in available vertebrate species. In addition, this alteration is predicted to be deleterious by in silico analysis. Based on the available evidence, the clinical significance of this variant remains unclear.

Labcorp Genetics (formerly Invitae), Labcorp
Classification: Likely benign for Hereditary breast ovarian cancer syndrome. Last evaluated: 2024-11-19. Review status: criteria provided, single submitter. Criteria: Invitae Variant Classification Sherloc (09022015). Collection method: clinical testing. Allele origin: germline.

Blueprint Genetics
Classification: Uncertain significance. Last evaluated: 2023-03-03. Review status: criteria provided, single submitter. Criteria: ACMG Guidelines, 2015. Collection method: clinical testing. Allele origin: germline.

Breast Cancer Information Core (BIC) (BRCA1)
Classification: Uncertain significance for Breast-ovarian cancer, familial 1. Last evaluated: 2003-12-23. Review status: no assertion criteria provided. Collection method: clinical testing. Allele origin: germline. Affected: yes. Observed: 1 variant allele. Not counted in ClinVar's aggregate classification.

Brotman Baty Institute, University of Washington
No classification provided (evidence only). Condition: Breast-ovarian cancer, familial 1. Review status: no classification provided. Collection method: in vitro. Allele origin: not applicable. Functional consequence: functionally_normal. Not counted in ClinVar's aggregate classification.
ClinVar note: "not provided" was previously submitted as the classification for the variant. However, the classification appeared to be based only on an observation of functional data so it was converted to no classification on 2025-07-30.

Literature cited by the submitters: PubMed 30209399 (cited by Ambry Genetics).

NM_007294.4(BRCA1):c.5312C>G (p.Pro1771Arg)

Gene: BRCA1 (BRCA1 DNA repair associated; minus strand). Cytogenetic location: 17q21.31.
Variant type: single nucleotide variant.
Coding change: c.5312C>G on transcript NM_007294.4 (MANE Select); coding-DNA position 5312, C replaced by G.
Protein change: p.Pro1771Arg; replaces proline 1771 with arginine.
Molecular consequence: missense variant. On other transcripts: non-coding transcript variant (1).
Genome position (GRCh38, 1-based): chr17:43,051,083, G>C on the plus strand (C>G on the coding strand, the complement: BRCA1 is on the minus strand). VCF-style: chr17-43051083-G-C. GRCh37 (hg19) VCF-style: chr17-41203100-G-C.
Other names: c.5297C>G, p.Pro1766Arg (NM_001407647.1); c.5255C>G, p.Pro1752Arg (NM_001407648.1); c.5252C>G, p.Pro1751Arg (NM_001407649.1); c.5234C>G, p.Pro1745Arg (NM_001407652.1, NM_001407653.1, NM_001407654.1 and 1 more transcripts); c.5231C>G, p.Pro1744Arg (NM_001407656.1, NM_001407657.1, NM_001407658.1); c.5183C>G, p.Pro1728Arg (NM_001407686.1, NM_001407687.1, NM_001407688.1 and 6 more transcripts); c.5180C>G, p.Pro1727Arg (NM_001407690.1, NM_001407691.1); c.5171C>G, p.Pro1724Arg (NM_001407692.1, NM_001407694.1, NM_001407695.1 and 13 more transcripts); and 72 more; short protein forms P1771R, P667R, P1724R, P1792R, P1643R, P1659R, P1660R, P1703R.
Identifiers: ClinVar variation 55518 (VCV000055518.17), dbSNP rs80357025, ClinGen allele CA003466.